The following is an entry in ClinVar:

ClinVar aggregate classification (germline): Uncertain significance (1 of 4 stars; one submission).

Conditions:
MicroRNA processor tumor predisposition syndrome.

gnomAD v4.1: 17 of 1,613,160 alleles (0.0011%); highest among the groups gnomAD compares: African/African-American, 0.015%; no homozygotes.

Submission:

Institute for Genomic Medicine (IGM) Clinical Laboratory, Nationwide Children's Hospital
Classification: Uncertain significance for MicroRNA processor tumor predisposition syndrome. Last evaluated: 2025-07-08. Review status: criteria provided, single submitter. Criteria: ACMG Guidelines, 2015. Collection method: clinical testing. Allele origin: germline.
Comment: This variant does not meet any ACMG/AMP criteria for pathogenicity or benignity. In accordance with ACMG/AMP guidelines, this variant is classified as a variant of uncertain significance.

NM_001382508.1(DROSHA):c.859C>T (p.Arg287Ter)

Gene: DROSHA (drosha ribonuclease III; minus strand). Cytogenetic location: 5p13.3.
Variant type: single nucleotide variant.
Coding change: c.859C>T on transcript NM_001382508.1 (MANE Select); coding-DNA position 859, C replaced by T.
Protein change: p.Arg287Ter; replaces arginine 287 with a stop codon.
Molecular consequence: nonsense.
Genome position (GRCh38, 1-based): chr5:31,521,211, G>A on the plus strand (C>T on the coding strand, the complement: DROSHA is on the minus strand). VCF-style: chr5-31521211-G-A. GRCh37 (hg19) VCF-style: chr5-31521318-G-A.
Other names: c.859C>T, p.Arg287Ter (NM_001100412.2, NM_013235.5); short protein forms R287*.
Identifiers: ClinVar variation 4759285 (VCV004759285.1).
Genomic context (GRCh38, chr5:31,521,211, plus strand): 5'-AGGACCTTTCCAGAGATGGTGATCTTCGGTTGTCTCGATGCCTGTGTCTCTCCCGTTCTC[G>A]CTCTCTTAAAGGAATTAATACACAGAGCTGTTTTCAACAGAAAGACTCAAAAACACCATC-3'